The following is an entry in ClinVar:

NM_001128840.3(CACNA1D):c.310C>T (p.Arg104Cys)

Gene: CACNA1D (calcium voltage-gated channel subunit alpha1 D; plus strand). Cytogenetic location: 3p21.1.
Variant type: single nucleotide variant.
Coding change: c.310C>T on transcript NM_001128840.3 (MANE Select); coding-DNA position 310, C replaced by T.
Protein change: p.Arg104Cys; replaces arginine 104 with cysteine.
Molecular consequence: missense variant.
Genome position (GRCh38, 1-based): chr3:53,497,394, C>T. VCF-style: chr3-53497394-C-T. GRCh37 (hg19) VCF-style: chr3-53531421-C-T.
Other names: c.310C>T, p.Arg104Cys (NM_000720.4, NM_001128839.3); short protein forms R104C.
Identifiers: ClinVar variation 4887588 (VCV004887588.1).
Genomic context (GRCh38, chr3:53,497,394, plus strand): 5'-AAACGTCAGCAATACGCCAAGAGCAAAAAACAGGGTAACTCGTCCAACAGCCGACCTGCC[C>T]GCGCCCTTTTCTGTTTATCACTCAATAACCCCATCCGAAGAGCCTGCATTAGTATAGTGG-3'
Protein context (NP_001122312.1, residues 94-114): QGNSSNSRPA[Arg104Cys]ALFCLSLNNP

ClinVar aggregate classification (germline): Uncertain significance (1 of 4 stars; one submission).

gnomAD v4.1: 7 of 1,614,046 alleles (0.00043%); highest among the groups gnomAD compares: Admixed American, 0.0017%; no homozygotes.

Submission:

Women's Health and Genetics/Laboratory Corporation of America, LabCorp
Classification: Uncertain significance. Last evaluated: 2026-06-02. Review status: criteria provided, single submitter. Criteria: LabCorp Variant Classification Summary - May 2015. Collection method: clinical testing. Allele origin: germline.
Comment: Variant summary: CACNA1D c.310C>T (p.Arg104Cys) results in a non-conservative amino acid change in the encoded protein sequence. Algorithms developed to predict the effect of missense changes on protein structure and function are either unavailable or do not agree on the potential impact of this missense change. The variant allele was found at a frequency of 1.2e-05 in 251482 control chromosomes. The available data on variant occurrences in the general population are insufficient to allow any conclusion about variant significance. To our knowledge, no occurrence of c.310C>T in individuals affected with CACNA1D-related conditions and no experimental evidence demonstrating its impact on protein function have been reported. No submitters have cited clinical-significance assessments for this variant to ClinVar. Based on the evidence outlined above, the variant was classified as uncertain significance.